The following is an entry in ClinVar:

NM_016188.5(ACTL6B):c.538C>T (p.His180Tyr)

Gene: ACTL6B (actin like 6B; minus strand). Cytogenetic location: 7q22.1.
Variant type: single nucleotide variant.
Coding change: c.538C>T on transcript NM_016188.5 (MANE Select); coding-DNA position 538, C replaced by T.
Protein change: p.His180Tyr; replaces histidine 180 with tyrosine.
Molecular consequence: missense variant. On other transcripts: non-coding transcript variant (1).
Genome position (GRCh38, 1-based): chr7:100,648,753, G>A on the plus strand (C>T on the coding strand, the complement: ACTL6B is on the minus strand). VCF-style: chr7-100648753-G-A. GRCh37 (hg19) VCF-style: chr7-100246376-G-A.
Other names: short protein forms H180Y.
Identifiers: ClinVar variation 2633396 (VCV002633396.1), dbSNP rs2486161006, ClinGen allele CA368545620.

ClinVar aggregate classification (germline): Uncertain significance (1 of 4 stars; one submission).

Conditions:
ACTL6B-related disorder. Also called: ACTL6B-related condition.

Allele frequency attached by ClinVar (database versions not stated): gnomAD exomes below 0.00001.

Submission:

PreventionGenetics, part of Exact Sciences
Classification: Uncertain significance for ACTL6B-related condition. Last evaluated: 2023-03-23. Review status: criteria provided, single submitter. Criteria: ACMG Guidelines, 2015. Collection method: clinical testing. Allele origin: germline.
Comment: The ACTL6B c.538C>T variant is predicted to result in the amino acid substitution p.His180Tyr. To our knowledge, this variant has not been reported in the literature or in a large population database, indicating this variant is rare. At this time, the clinical significance of this variant is uncertain due to the absence of conclusive functional and genetic evidence.